The following is an entry in ClinVar:

NM_006030.4(CACNA2D2):c.2183del (p.Gly728fs)

Genes: CACNA2D2 (calcium voltage-gated channel auxiliary subunit alpha2delta 2; minus strand), LOC101928965 (uncharacterized LOC101928965; plus strand), LOC127898564 (CYB561D2-LOC101928965; plus strand). Cytogenetic location: 3p21.31.
Variant type: Deletion.
Coding change: c.2183del on transcript NM_006030.4 (MANE Select); coding-DNA position 2183, one base deleted (G; older notation c.2183delG).
Protein change: p.Gly728fs; shifts the reading frame from glycine 728.
Molecular consequence: frameshift variant. On other transcripts: non-coding transcript variant (3).
Genome position (GRCh38, 1-based): chr3:50,367,863, C deleted on the plus strand (G on the coding strand, the reverse complement: CACNA2D2 is on the minus strand); the first of 3 consecutive C bases (chr3:50,367,863-50,367,865); deleting any one gives the same sequence. VCF-style (leftmost placement, unchanged base first): chr3-50367862-GC-G. GRCh37 (hg19) VCF-style: chr3-50405293-GC-G.
Other names: c.2183del, p.Gly728fs (NM_001005505.3); c.2204del, p.Gly735fs (NM_001174051.3); c.1976del, p.Gly659fs (NM_001291101.1); short protein forms G659fs, G735fs, G728fs.
Identifiers: ClinVar variation 1453307 (VCV001453307.7), dbSNP rs2109411685, ClinGen allele CA2573137226.

ClinVar aggregate classification (germline): Pathogenic (1 of 4 stars; one submission).

Conditions:
Early-infantile DEE. Also called: Early infantile epileptic encephalopathy; Ohtahara syndrome; Early infantile epileptic encephalopathy with suppression bursts. Identifiers: Orphanet 1934, MedGen C0393706, MONDO:0800491.

Submission:

Labcorp Genetics (formerly Invitae), Labcorp
Classification: Pathogenic for Early-infantile DEE. Last evaluated: 2025-10-27. Review status: criteria provided, single submitter. Criteria: Invitae Variant Classification Sherloc (09022015). Collection method: clinical testing. Allele origin: germline.
Comment: This sequence change creates a premature translational stop signal (p.Gly728Alafs*7) in the CACNA2D2 gene. It is expected to result in an absent or disrupted protein product. Loss-of-function variants in CACNA2D2 are known to be pathogenic (PMID: 24358150). This variant is not present in population databases (gnomAD no frequency). This variant has not been reported in the literature in individuals affected with CACNA2D2-related conditions. ClinVar contains an entry for this variant (Variation ID: 1453307). For these reasons, this variant has been classified as Pathogenic.

Literature cited by the submitters: PubMed 24358150.